The following is an entry in ClinVar:

NM_000875.5(IGF1R):c.3091G>A (p.Ala1031Thr)

Gene: IGF1R (insulin like growth factor 1 receptor; plus strand). Cytogenetic location: 15q26.3.
Variant type: single nucleotide variant.
Coding change: c.3091G>A on transcript NM_000875.5 (MANE Select); coding-DNA position 3091, G replaced by A.
Protein change: p.Ala1031Thr; replaces alanine 1031 with threonine.
Molecular consequence: missense variant.
Genome position (GRCh38, 1-based): chr15:98,934,958, G>A. VCF-style: chr15-98934958-G-A. GRCh37 (hg19) VCF-style: chr15-99478187-G-A.
Other names: c.3088G>A, p.Ala1030Thr (NM_001291858.2); short protein forms A1030T, A1031T.
Identifiers: ClinVar variation 286972 (VCV000286972.8), dbSNP rs886043535, ClinGen allele CA10605630.

ClinVar aggregate classification (germline): Uncertain significance. Review status: criteria provided, multiple submitters, no conflicts (2 of 4 stars). 2 submissions from 2 submitters: Uncertain significance (2). Last evaluated 2024-02-28.

Submissions (2):

GeneDx
Classification: Uncertain significance. Last evaluated: 2024-02-28. Review status: criteria provided, single submitter. Criteria: GeneDx Variant Classification Process June 2021. Collection method: clinical testing. Allele origin: germline. Affected: yes.
Comment: Not observed at significant frequency in large population cohorts (gnomAD); In silico analysis supports that this missense variant has a deleterious effect on protein structure/function; Has not been previously published as pathogenic or benign to our knowledge; This variant is associated with the following publications: (PMID: 27535533)

Eurofins Ntd Llc (ga)
Classification: Uncertain significance. Last evaluated: 2016-04-03. Review status: criteria provided, single submitter. Criteria: EGL Classification Definitions 2015. Collection method: clinical testing. Allele origin: germline. Observed: 1 variant allele, 1 heterozygote.